The following is an entry in ClinVar:

ClinVar aggregate classification (germline): Pathogenic (1 of 4 stars; one submission).

Conditions:
Developmental delay with or without intellectual impairment or behavioral abnormalities. Identifiers: MedGen C5562004, MONDO:0859199, OMIM 619575.

Submission:

Institute of Human Genetics, University of Leipzig Medical Center
Classification: Pathogenic for Developmental delay with or without intellectual impairment or behavioral abnormalities. Last evaluated: 2026-03-12. Review status: criteria provided, single submitter. Criteria: ACMG Guidelines, 2015. Collection method: clinical testing. Allele origin: unknown. Inheritance: Autosomal dominant inheritance. Affected: yes.
Comment: Criteria applied: PVS1,PM2

NM_020791.4(TAOK1):c.2191A>T (p.Lys731Ter)

Gene: TAOK1 (TAO kinase 1; plus strand). Cytogenetic location: 17q11.2.
Variant type: single nucleotide variant.
Coding change: c.2191A>T on transcript NM_020791.4 (MANE Select); coding-DNA position 2191, A replaced by T.
Protein change: p.Lys731Ter; replaces lysine 731 with a stop codon.
Molecular consequence: nonsense.
Genome position (GRCh38, 1-based): chr17:29,530,449, A>T. VCF-style: chr17-29530449-A-T. GRCh37 (hg19) VCF-style: chr17-27857467-A-T.
Other names: c.1747A>T, p.Lys583Ter (NM_025142.1); short protein forms K583*, K731*.
Identifiers: ClinVar variation 4845404 (VCV004845404.1).